The following is an entry in ClinVar:

NM_002834.5(PTPN11):c.228G>T (p.Glu76Asp)

Gene: PTPN11 (protein tyrosine phosphatase non-receptor type 11; plus strand). Cytogenetic location: 12q24.13.
Variant type: single nucleotide variant.
Coding change: c.228G>T on transcript NM_002834.5 (MANE Select); coding-DNA position 228, G replaced by T.
Protein change: p.Glu76Asp; replaces glutamic acid 76 with aspartic acid.
Molecular consequence: missense variant.
Genome position (GRCh38, 1-based): chr12:112,450,408, G>T. VCF-style: chr12-112450408-G-T. GRCh37 (hg19) VCF-style: chr12-112888212-G-T.
Other names: p.E76D:GAG>GAT; c.228G>T, p.Glu76Asp (NM_001330437.2, NM_080601.3); c.225G>T, p.Glu75Asp (NM_001374625.1); c.228G>T (NM_001330437.1); short protein forms E76D, E75D.
Identifiers: ClinVar variation 40502 (VCV000040502.28), dbSNP rs397507514, ClinGen allele CA261580.

ClinVar aggregate classification (germline): Pathogenic. Review status: criteria provided, multiple submitters, no conflicts (2 of 4 stars). 13 submissions from 13 submitters: Pathogenic (11). 2 of the submissions do not count toward it. Last evaluated 2026-02-02.

Conditions:
Noonan syndrome and Noonan-related syndrome. Identifiers: Orphanet 98733, MedGen C5681679, MONDO:0020297.
PTPN11-related disorder. Also called: PTPN11-Related Disorders.
Cardiovascular phenotype. Identifiers: MedGen CN230736.
Juvenile myelomonocytic leukemia (JMML). Also called: LEUKEMIA, JUVENILE MYELOMONOCYTIC, SOMATIC. Identifiers: Orphanet 86834, MedGen C0349639, MONDO:0011908, OMIM 607785, HP:0012209.
Noonan syndrome 1 (NS1). Also called: PTPN11-Related Noonan Syndrome; FEMALE PSEUDO-TURNER SYNDROME; TURNER PHENOTYPE WITH NORMAL KARYOTYPE. Identifiers: Orphanet 648, MedGen C4551602, MONDO:0008104, OMIM 163950. Disease mechanism: gain of function.
Metachondromatosis (METCDS). Identifiers: Orphanet 2499, MedGen C0410530, MONDO:0007979, OMIM 156250.
LEOPARD syndrome 1 (LPRD1). Also called: PTPN11-Related LEOPARD Syndrome; LENTIGINOSIS, CARDIOMYOPATHIC; MULTIPLE LENTIGINES SYNDROME. Identifiers: Orphanet 500, MedGen C4551484, MONDO:0100082, OMIM 151100.
RASopathy. Also called: rasopathies; Noonan spectrum disorder. Identifiers: Orphanet 536391, MedGen C5555857, MONDO:0021060.
Noonan syndrome (NS). Also called: Noonan's syndrome. Identifiers: Orphanet 648, MedGen C0028326, MeSH D009634, MONDO:0018997. Disease mechanism: gain of function.

Submissions 1 to 10 of 13:

PreventionGenetics, part of Exact Sciences
Classification: Pathogenic for PTPN11-related condition. Last evaluated: 2026-02-02. Review status: criteria provided, single submitter. Criteria: ACMG Guidelines, 2015. Collection method: clinical testing. Allele origin: germline.
Comment: The PTPN11 c.228G>T variant is predicted to result in the amino acid substitution p.Glu76Asp. This variant has been reported in many individuals with Noonan syndrome (see for example, Tartaglia et al. 2006. PubMed ID: 16358218; Table S3, Leach et al. 2019. PubMed ID: 29907801; Table S4, Zhu et al. 2018. PubMed ID: 30029678; Orlova et al. 2024. PubMed ID: 38540404). Functional studies support this variants pathogenicity (Edouard et al. 2010. PubMed ID: 20308328). This variant has not been reported in a large population database, indicating this variant is rare. In ClinVar, this variant has been interpreted as pathogenic (ClinVar ID: 40502). An alternate nucleotide substitution resulting in the same missense variant (c.228G>C (p.Glu76Asp)) has also been reported as pathogenic (ClinVar ID: 40503). This variant resides in a region of PTPN11 (amino acids 69-77) that is defined as a mutational hotspot and/or critical functional domain by the ClinGen RASopathy VCEP (Gelb et al. 2018. PubMed ID: 29493581). This variant is interpreted as pathogenic.

Labcorp Genetics (formerly Invitae), Labcorp
Classification: Pathogenic for RASopathy. Last evaluated: 2025-10-29. Review status: criteria provided, single submitter. Criteria: Invitae Variant Classification Sherloc (09022015). Collection method: clinical testing. Allele origin: germline.
Comment: This sequence change replaces glutamic acid, which is acidic and polar, with aspartic acid, which is acidic and polar, at codon 76 of the PTPN11 protein (p.Glu76Asp). This variant is not present in population databases (gnomAD no frequency). This missense change has been observed in individuals with Noonan syndrome (PMID: 11704759, 12634870, 16830086, 18678287, 22190897). ClinVar contains an entry for this variant (Variation ID: 40502). Invitae Evidence Modeling of protein sequence and biophysical properties (such as structural, functional, and spatial information, amino acid conservation, physicochemical variation, residue mobility, and thermodynamic stability) has been performed for this missense variant. However, the output from this modeling did not meet the statistical confidence thresholds required to predict the impact of this variant on PTPN11 protein function. Experimental studies have shown that this missense change affects PTPN11 function (PMID: 15834506, 16358218, 17177198). For these reasons, this variant has been classified as Pathogenic.

Ambry Genetics
Classification: Pathogenic for Cardiovascular phenotype. Last evaluated: 2025-05-14. Review status: criteria provided, single submitter. Criteria: Ambry Variant Classification Scheme 2023. Collection method: clinical testing. Allele origin: germline.
Comment: The c.228G>T (p.E76D) alteration is located in exon 3 (coding exon 3) of the PTPN11 gene. This alteration results from a G to T substitution at nucleotide position 228, causing the glutamic acid (E) at amino acid position 76 to be replaced by an aspartic acid (D). This variant was not reported in population-based cohorts in the Genome Aggregation Database (gnomAD). This variant has been reported in multiple individuals with Noonan syndrome (Musante, 2003; Binder, 2005; Tartaglia, 2006; van Trier, 2015; Orlova, 2024; Shoji, 2024). An alternate nucleotide change, c.228G>C, resulting in the same amino acid substitution p.E76D, has also been detected in Noonan syndrome cohorts (Tartaglia, 2006; Ferrero, 2008; Orlova, 2024). This amino acid position is highly conserved in available vertebrate species. Functional studies have shown that p.E76D leads to increased phosphatase activity (Tartaglia, 2006; Keilhack, 2005). This alteration is predicted to be deleterious by in silico analysis. Based on the available evidence, this alteration is classified as pathogenic.

Clinical Genetics Laboratory, Skane University Hospital Lund
Classification: Pathogenic. Last evaluated: 2022-07-13. Review status: criteria provided, single submitter. Criteria: ACMG Guidelines, 2015. Collection method: clinical testing. Allele origin: germline. Affected: yes.

Laboratory for Molecular Medicine, Mass General Brigham Personalized Medicine
Classification: Pathogenic for Noonan syndrome. Last evaluated: 2022-04-01. Review status: criteria provided, single submitter. Criteria: ACMG Guidelines, 2015. Collection method: clinical testing. Allele origin: germline. Inheritance: Autosomal dominant inheritance.
Comment: The p.Glu76Asp (c.228G>T) variant in PTPN11 has been reported in at least 10 individuals with clinical features of Noonan syndrome (Musante 2003 PMID: 12634870, Tartaglia 2006 PMID: 16358218, Power 2006 PMID: 16830086, Digilio 2011 PMID: 22190897, Zhu 2018 PMID: 30029678, Leach 2019 PMID: 29907801, LMM data) and has also been reported by other clinical laboratories in ClinVar (Variation ID 40502). It was absent from large population studies. Notably, a different nucleotide substitution at the same position (c.228G>C) resulting in the same amino acid change has been reported in >10 individuals with clinical features of Noonan syndrome (Tartaglia 2001 PMID: 11704759, Tartaglia 2006 PMID: 16358218, Edouard 2010 PMID: 20308328, LMM data). In addition, there are 4 other pathogenic amino acid substitutions at this position (p.Glu76Lys, p.Glu76Ala, p.Glu76Val, p.Glu76Gly); all these variants were also absent in large population studies. In vitro functional studies support an impact on protein function (Keilhack 2005 PMID: 15987685, Bocchinfuso 2007 PMID: 17177198, Edouard 2010 PMID: 20308328). Additionally, this variant lies in a location that has been defined by the ClinGen RASopathy Expert Panel to be a mutational hotspot or domain of PTPN11 (Gelb 2018 PMID: 29493581). In summary, this variant meets criteria to be classified as pathogenic for autosomal dominant Noonan syndrome. ACMG/AMP Criteria applied: PS4, PM2_Supporting, PM5_Strong, PS3_Supporting.

GeneDx
Classification: Pathogenic. Last evaluated: 2022-02-25. Review status: criteria provided, single submitter. Criteria: GeneDx Variant Classification Process June 2021. Collection method: clinical testing. Allele origin: germline. Affected: yes.
Comment: Reported previously in association with Noonan syndrome (Tartaglia et al., 2006; Musante et al., 2003); Published functional studies demonstrate a damaging effect; p.(E76D) results in abnormally increased activity levels of the PTPN11 protein (Tartaglia et al., 2006; Bocchinfuso et al., 2007); Missense variants in this gene are often considered pathogenic (HGMD); Not observed at significant frequency in large population cohorts (gnomAD); In silico analysis supports that this missense variant has a deleterious effect on protein structure/function; This variant is associated with the following publications: (PMID: 12634870, 20308328, 17177198, 29907801, 30029678, 16830086, 30050098, 32676024, 16358218, 24077912, 27535533, 11992261, 9491886, 16053901, 29493581)

Blueprint Genetics
Classification: Pathogenic for PTPN11-related disorders. Last evaluated: 2020-11-02. Review status: criteria provided, single submitter. Criteria: ACMG Guidelines, 2015. Collection method: clinical testing. Allele origin: germline. Affected: yes. Observed: 3 variant alleles.

Genome Diagnostics Laboratory, The Hospital for Sick Children
Classification: Pathogenic for Noonan syndrome and Noonan-related syndrome. Last evaluated: 2020-08-05. Review status: criteria provided, single submitter. Criteria: ACMG Guidelines, 2015. Collection method: clinical testing. Allele origin: germline. Affected: yes.

Fulgent Genetics
Classification: Pathogenic for LEOPARD syndrome 1; Metachondromatosis; Noonan syndrome 1; Juvenile myelomonocytic leukemia. Last evaluated: 2018-10-31. Review status: criteria provided, single submitter. Criteria: ACMG Guidelines, 2015. Collection method: clinical testing. Allele origin: unknown.

Center of Genomic medicine, Geneva, University Hospital of Geneva
Classification: Pathogenic for Noonan syndrome. Last evaluated: 2018-04-13. Review status: criteria provided, single submitter. Criteria: ACMG Guidelines, 2015. Collection method: clinical testing. Allele origin: de novo. Affected: yes. Observed: 1 variant allele.